The following is an entry in ClinVar:

NM_007289.4(MME):c.2195C>A (p.Ala732Asp)

Gene: MME (membrane metalloendopeptidase; plus strand). Cytogenetic location: 3q25.2.
Variant type: single nucleotide variant.
Coding change: c.2195C>A on transcript NM_007289.4 (MANE Select); coding-DNA position 2195, C replaced by A.
Protein change: p.Ala732Asp; replaces alanine 732 with aspartic acid.
Molecular consequence: missense variant.
Genome position (GRCh38, 1-based): chr3:155,180,401, C>A. VCF-style: chr3-155180401-C-A. GRCh37 (hg19) VCF-style: chr3-154898190-C-A.
Other names: c.2195C>A, p.Ala732Asp (NM_000902.5, NM_001354642.2, NM_001354643.1 and 2 more transcripts); short protein forms A732D.
Identifiers: ClinVar variation 4888197 (VCV004888197.1).
Genomic context (GRCh38, chr3:155,180,401, plus strand): 5'-TTTTTTGTTTGTTTCAAAGGATTATTGGGACTTTGCAGAACTCTGCAGAGTTTTCAGAAG[C>A]CTTTCACTGCCGCAAGAATTCATACATGAATCCAGAAAAGAAGTGCCGGGTTTGGTGATC-3'
Protein context (NP_009220.2, residues 722-742): TLQNSAEFSE[Ala732Asp]FHCRKNSYMN

ClinVar aggregate classification (germline): Uncertain significance (1 of 4 stars; one submission).

gnomAD v4.1: 14 of 1,613,534 alleles (0.00087%); highest among the groups gnomAD compares: Non-Finnish European, 0.0012%; no homozygotes.

Submission:

GeneDx
Classification: Uncertain significance. Last evaluated: 2026-01-22. Review status: criteria provided, single submitter. Criteria: GeneDx Variant Classification Process June 2021. Collection method: clinical testing. Allele origin: germline.
Comment: Not observed at significant frequency in large population cohorts (gnomAD); In silico analysis supports that this missense variant has a deleterious effect on protein structure/function; Has not been previously published as pathogenic or benign to our knowledge